The following is an entry in ClinVar:

ClinVar aggregate classification (germline): Pathogenic/Likely pathogenic. Review status: criteria provided, multiple submitters, no conflicts (2 of 4 stars). 4 submissions from 4 submitters: Pathogenic (2); Likely pathogenic (2). Last evaluated 2022-08-10.

Conditions:
SH2D1A-related disorder. Also called: SH2D1A-related condition.
Autoinflammatory syndrome. Identifiers: Orphanet 93665, MedGen C3890737, MONDO:0019751.
X-linked lymphoproliferative disease due to SH2D1A deficiency (XLP1). Also called: DUNCAN DISEASE; EBV infection severe susceptibility to; Epstein Barr virus infection familial fatal; Duncan's syndrome; IMMUNODEFICIENCY 5; IMMUNODEFICIENCY, X-LINKED PROGRESSIVE COMBINED VARIABLE. Identifiers: Orphanet 2442, Orphanet 538931, MedGen C5399825, MONDO:0024551, OMIM 308240.

Submissions (4):

Labcorp Genetics (formerly Invitae), Labcorp
Classification: Pathogenic for X-linked lymphoproliferative disease due to SH2D1A deficiency. Last evaluated: 2022-08-10. Review status: criteria provided, single submitter. Criteria: Invitae Variant Classification Sherloc (09022015). Collection method: clinical testing. Allele origin: germline.
Comment: For these reasons, this variant has been classified as Pathogenic. ClinVar contains an entry for this variant (Variation ID: 1455661). Disruption of the initiator codon has been observed in individuals with X-linked lymphoproliferative syndrome (PMID: 22970278, 31415280). This variant is not present in population databases (gnomAD no frequency). This sequence change affects the initiator methionine of the SH2D1A mRNA. There are no downstream in-frame methionine residues; therefore, it is expected to result in an absent or disrupted protein product. Loss-of-function variants in SH2D1A are known to be pathogenic (PMID: 9771704, 11049992, 15711562).

Greenwood Genetic Center Diagnostic Laboratories, Greenwood Genetic Center
Classification: Pathogenic for X-linked lymphoproliferative disease due to SH2D1A deficiency. Last evaluated: 2022-06-21. Review status: criteria provided, single submitter. Criteria: ACMG Guidelines, 2015. Collection method: clinical testing. Allele origin: germline. Affected: yes.
Comment: PVS1, PS4_Moderate, PM2

Blueprint Genetics
Classification: Likely pathogenic for SH2D1A-related disorders. Last evaluated: 2018-04-04. Review status: criteria provided, single submitter. Criteria: ACMG Guidelines, 2015. Collection method: clinical testing. Allele origin: germline. Affected: yes. Observed: 1 variant allele.

Genome Diagnostics Laboratory, The Hospital for Sick Children
Classification: Likely pathogenic for Autoinflammatory syndrome. Last evaluated: 2017-03-01. Review status: criteria provided, single submitter. Criteria: ACMG Guidelines, 2015. Collection method: clinical testing. Allele origin: germline. Affected: yes.

Literature cited by the submitters: PubMed 22970278 (cited by Labcorp Genetics (formerly Invitae), Labcorp); PubMed 31415280 (cited by Labcorp Genetics (formerly Invitae), Labcorp); PubMed 9771704 (cited by Labcorp Genetics (formerly Invitae), Labcorp); PubMed 11049992 (cited by Labcorp Genetics (formerly Invitae), Labcorp); PubMed 15711562 (cited by Labcorp Genetics (formerly Invitae), Labcorp).

NM_002351.5(SH2D1A):c.2T>C (p.Met1Thr)

Gene: SH2D1A (SH2 domain containing 1A; plus strand). Cytogenetic location: Xq25.
Variant type: single nucleotide variant.
Coding change: c.2T>C on transcript NM_002351.5 (MANE Select); coding-DNA position 2, T replaced by C.
Protein change: p.Met1Thr; changes the start codon (methionine 1).
Molecular consequence: missense variant, initiator codon variant.
Genome position (GRCh38, 1-based): chrX:124,346,644, T>C. VCF-style: chrX-124346644-T-C. GRCh37 (hg19) VCF-style: chrX-123480494-T-C.
Other names: c.2T>C, p.Met1Thr (NM_001114937.3); short protein forms M1T.
Identifiers: ClinVar variation 1455661 (VCV001455661.13), dbSNP rs2147519353, ClinGen allele CA414122161.
Genomic context (GRCh38, chrX:124,346,644, plus strand): 5'-GCAGCGGCATCTCCCTTGCACAGTTCTCCTCCTCGGCCTGCCCAAGAGTCCACCAGGCCA[T>C]GGACGCAGTGGCTGTGTATCATGGCAAAATCAGCAGGGAAACCGGCGAGAAGCTCCTGCT-3'
Protein context (NP_002342.1, residues 1-11): [Met1Thr]DAVAVYHGKI